The following is an entry in ClinVar:

NM_022437.3(ABCG8):c.918C>T (p.Ala306=)

Gene: ABCG8 (ATP binding cassette subfamily G member 8; plus strand). Cytogenetic location: 2p21.
Variant type: single nucleotide variant.
Coding change: c.918C>T on transcript NM_022437.3 (MANE Select); coding-DNA position 918, C replaced by T.
Protein change: p.Ala306=; no amino-acid change (alanine 306 retained).
Molecular consequence: synonymous variant.
Genome position (GRCh38, 1-based): chr2:43,852,822, C>T. VCF-style: chr2-43852822-C-T. GRCh37 (hg19) VCF-style: chr2-44079961-C-T.
Other names: c.918C>T, p.Ala306= (NM_001357321.2).
Identifiers: ClinVar variation 2581539 (VCV002581539.25), dbSNP rs1180920650, ClinGen allele CA425754431.
Genomic context (GRCh38, chr2:43,852,822, plus strand): 5'-GACGTCTGGCACCCCCATCTACTTAGGGGCGGCCCAGCACATGGTCCAGTATTTCACAGC[C>T]ATCGGCTACCCCTGTCCTCGCTACAGCAATCCTGCTGACTTCTATGGTGAGTCCCCAAGG-3'
Protein context (NP_071882.1, residues 296-316): AAQHMVQYFT[Ala306=]IGYPCPRYSN

ClinVar aggregate classification (germline): Likely benign. Review status: criteria provided, multiple submitters, no conflicts (2 of 4 stars). 3 submissions from 3 submitters: Likely benign (3). Last evaluated 2025-04-30.

Conditions:
Cardiovascular phenotype. Identifiers: MedGen CN230736.

Allele frequency attached by ClinVar (database versions not stated): gnomAD 0.00001; TOPMed 0.00001.
gnomAD v4.1: 1 of 1,614,056 alleles (0.000062%); highest among the groups gnomAD compares: Non-Finnish European, 0.000085%; no homozygotes.

Submissions (3):

Ambry Genetics
Classification: Likely benign for Cardiovascular phenotype. Last evaluated: 2025-04-30. Review status: criteria provided, single submitter. Criteria: Ambry Variant Classification Scheme 2023. Collection method: clinical testing. Allele origin: germline.

Women's Health and Genetics/Laboratory Corporation of America, LabCorp
Classification: Likely benign. Last evaluated: 2023-08-07. Review status: criteria provided, single submitter. Criteria: LabCorp Variant Classification Summary - May 2015. Collection method: clinical testing. Allele origin: germline.

CeGaT Center for Human Genetics Tuebingen
Classification: Likely benign. Last evaluated: 2022-09-01. Review status: criteria provided, single submitter. Criteria: CeGaT Center For Human Genetics Tuebingen Variant Classification Criteria Version 2. Collection method: clinical testing. Allele origin: germline. Affected: yes. Observed: 1 variant allele.
Comment: ABCG8: BP4, BP7